The following is an entry in ClinVar:

NM_080911.3(UNG):c.268G>C (p.Val90Leu)

Gene: UNG (uracil DNA glycosylase; plus strand). Cytogenetic location: 12q24.11.
Variant type: single nucleotide variant.
Coding change: c.268G>C on transcript NM_080911.3 (MANE Select); coding-DNA position 268, G replaced by C.
Protein change: p.Val90Leu; replaces valine 90 with leucine.
Molecular consequence: missense variant.
Genome position (GRCh38, 1-based): chr12:109,098,567, G>C. VCF-style: chr12-109098567-G-C. GRCh37 (hg19) VCF-style: chr12-109536372-G-C.
Other names: c.268G>C (NM_080911.2); c.241G>C, p.Val81Leu (NM_003362.4); short protein forms V81L, V90L.
Identifiers: ClinVar variation 1054803 (VCV001054803.6), dbSNP rs749104168, ClinGen allele CA6772544.
Genomic context (GRCh38, chr12:109,098,567, plus strand): 5'-CAGTTGGACCGGATCCAGAGGAACAAGGCCGCGGCCCTGCTCAGACTCGCGGCCCGCAAC[G>C]TGCCCGTGGGCTTTGGAGAGAGCTGGAAGAAGCACCTCAGCGGGGAGTTCGGGAAACCGT-3'
Protein context (NP_550433.1, residues 80-100): AALLRLAARN[Val90Leu]PVGFGESWKK

ClinVar aggregate classification (germline): Uncertain significance. Review status: criteria provided, multiple submitters, no conflicts (2 of 4 stars). 3 submissions from 3 submitters: Uncertain significance (3). Last evaluated 2026-01-23.

Conditions:
Hyper-IgM syndrome type 5 (HIGM5). Also called: Hyper-IgM Immunodeficiency Syndrome, Type 5. Identifiers: Orphanet 101092, MedGen C1720958, MONDO:0011971, OMIM 608106.

Allele frequency attached by ClinVar (database versions not stated): ExAC 0.00001; gnomAD 0.00001; gnomAD exomes 0.00003 and 0.00005; TOPMed 0.00004.

Submissions (3):

Women's Health and Genetics/Laboratory Corporation of America, LabCorp
Classification: Uncertain significance. Last evaluated: 2026-01-23. Review status: criteria provided, single submitter. Criteria: LabCorp Variant Classification Summary - May 2015. Collection method: clinical testing. Allele origin: germline.

Ambry Genetics
Classification: Uncertain significance. Last evaluated: 2023-03-21. Review status: criteria provided, single submitter. Criteria: Ambry Variant Classification Scheme 2023. Collection method: clinical testing. Allele origin: germline.

Labcorp Genetics (formerly Invitae), Labcorp
Classification: Uncertain significance for Hyper-IgM syndrome type 5. Last evaluated: 2022-08-23. Review status: criteria provided, single submitter. Criteria: Invitae Variant Classification Sherloc (09022015). Collection method: clinical testing. Allele origin: germline.
Comment: This sequence change replaces valine, which is neutral and non-polar, with leucine, which is neutral and non-polar, at codon 90 of the UNG protein (p.Val90Leu). This variant is present in population databases (rs749104168, gnomAD 0.03%). This variant has not been reported in the literature in individuals affected with UNG-related conditions. ClinVar contains an entry for this variant (Variation ID: 1054803). Algorithms developed to predict the effect of missense changes on protein structure and function (SIFT, PolyPhen-2, Align-GVGD) all suggest that this variant is likely to be tolerated. In summary, the available evidence is currently insufficient to determine the role of this variant in disease. Therefore, it has been classified as a Variant of Uncertain Significance.